The following is an entry in ClinVar:

ClinVar aggregate classification (germline): Benign/Likely benign. Review status: criteria provided, multiple submitters, no conflicts (2 of 4 stars). 9 submissions from 7 submitters: Benign (6); Likely benign (3). Last evaluated 2026-01-19.

Conditions:
Cryopyrin associated periodic syndrome (CAPS). Identifiers: Orphanet 208650, MedGen C2316212, MONDO:0016168.
Autoinflammatory syndrome. Identifiers: Orphanet 93665, MedGen C3890737, MONDO:0019751.
Chronic infantile neurological, cutaneous and articular syndrome (CINCA). Also called: CINCA syndrome; CRYOPYRIN-ASSOCIATED PERIODIC SYNDROME 3; CHRONIC NEUROLOGIC CUTANEOUS AND ARTICULAR SYNDROME; Prieur Griscelli syndrome. Identifiers: Orphanet 1451, MedGen C0409818, MONDO:0011776, OMIM 607115.
Familial amyloid nephropathy with urticaria AND deafness (MWS). Also called: UDA SYNDROME; URTICARIA-DEAFNESS-AMYLOIDOSIS SYNDROME; MUCKLE-WELLS SYNDROME; CRYOPYRIN-ASSOCIATED PERIODIC SYNDROME 2; Urticaria, deafness and amyloidosis. Identifiers: Orphanet 575, MedGen C0268390, MONDO:0008633, OMIM 191900.
Familial cold autoinflammatory syndrome 1 (FCAS1). Also called: CRYOPYRIN-ASSOCIATED PERIODIC SYNDROME 1; Familial cold inflammatory syndrome 1. Identifiers: Orphanet 47045, MedGen C4551895, MONDO:0007349, OMIM 120100.

Allele frequency attached by ClinVar (database versions not stated): gnomAD exomes 0.00020 and 0.00051; ExAC 0.00055; ESP Exome Variant Server 0.00108; gnomAD 0.00133 and 0.00139; TOPMed 0.00167; 1000 Genomes Project 30x 0.00203; 1000 Genomes Project 0.00220.
gnomAD v4.1: 526 of 1,614,176 alleles (0.033%); highest among the groups gnomAD compares: African/African-American, 0.32%; no homozygotes.

Submissions (9):

Labcorp Genetics (formerly Invitae), Labcorp
Classification: Benign for Cryopyrin associated periodic syndrome. Last evaluated: 2026-01-19. Review status: criteria provided, single submitter. Criteria: Invitae Variant Classification Sherloc (09022015). Collection method: clinical testing. Allele origin: germline.

Blueprint Genetics
Classification: Likely benign. Last evaluated: 2024-07-08. Review status: criteria provided, single submitter. Criteria: ACMG Guidelines, 2015. Collection method: clinical testing. Allele origin: germline.

ARUP Laboratories, Molecular Genetics and Genomics, ARUP Laboratories
Classification: Likely benign. Last evaluated: 2023-11-29. Review status: criteria provided, single submitter. Criteria: ARUP Molecular Germline Variant Investigation Process 2024. Collection method: clinical testing. Allele origin: germline.

CeGaT Center for Human Genetics Tuebingen
Classification: Benign. Last evaluated: 2022-08-01. Review status: criteria provided, single submitter. Criteria: CeGaT Center For Human Genetics Tuebingen Variant Classification Criteria Version 2. Collection method: clinical testing. Allele origin: germline. Affected: yes. Observed: 1 variant allele.
Comment: NLRP3: BS1, BS2

Genome Diagnostics Laboratory, The Hospital for Sick Children
Classification: Likely benign for Autoinflammatory syndrome. Last evaluated: 2020-02-01. Review status: criteria provided, single submitter. Criteria: ACMG Guidelines, 2015. Collection method: clinical testing. Allele origin: germline. Affected: yes.

Illumina Laboratory Services, Illumina
Classification: Benign for Familial amyloid nephropathy with urticaria AND deafness. Last evaluated: 2018-01-12. Review status: criteria provided, single submitter. Criteria: ICSL Variant Classification Criteria 13 December 2019. Collection method: clinical testing. Allele origin: germline.
Comment: This variant was observed in the ICSL laboratory as part of a predisposition screen in an ostensibly healthy population. It had not been previously curated by ICSL or reported in the Human Gene Mutation Database (HGMD: prior to June 1st, 2018), and was therefore a candidate for classification through an automated scoring system. Utilizing variant allele frequency, disease prevalence and penetrance estimates, and inheritance mode, an automated score was calculated to assess if this variant is too frequent to cause the disease. Based on the score and internal cut-off values, a variant classified as benign is not then subjected to further curation. The score for this variant resulted in a classification of benign for this disease.

Illumina Laboratory Services, Illumina
Classification: Benign for Chronic infantile neurological, cutaneous and articular syndrome. Last evaluated: 2018-01-12. Review status: criteria provided, single submitter. Criteria: ICSL Variant Classification Criteria 13 December 2019. Collection method: clinical testing. Allele origin: germline.
Comment: the same text as in the submission from Illumina Laboratory Services, Illumina above.

Illumina Laboratory Services, Illumina
Classification: Benign for Familial cold autoinflammatory syndrome 1. Last evaluated: 2018-01-12. Review status: criteria provided, single submitter. Criteria: ICSL Variant Classification Criteria 13 December 2019. Collection method: clinical testing. Allele origin: germline.
Comment: the same text as in the submission from Illumina Laboratory Services, Illumina above.

GeneDx
Classification: Benign. Last evaluated: 2015-03-03. Review status: criteria provided, single submitter. Criteria: GeneDx Variant Classification Process June 2021. Collection method: clinical testing. Allele origin: germline. Affected: yes.

NM_001243133.2(NLRP3):c.1119G>A (p.Glu373=)

Gene: NLRP3 (NLR family pyrin domain containing 3; plus strand). Cytogenetic location: 1q44.
Variant type: single nucleotide variant.
Coding change: c.1119G>A on transcript NM_001243133.2 (MANE Select); coding-DNA position 1119, G replaced by A.
Protein change: p.Glu373=; no amino-acid change (glutamic acid 373 retained).
Molecular consequence: synonymous variant.
Genome position (GRCh38, 1-based): chr1:247,424,568, G>A. VCF-style: chr1-247424568-G-A. GRCh37 (hg19) VCF-style: chr1-247587870-G-A.
Other names: c.1119G>A, p.Glu373= (NM_001079821.3, NM_001127461.3, NM_001127462.3 and 1 more transcripts); c.1125G>A, p.Glu375= (NM_004895.5).
Identifiers: ClinVar variation 296945 (VCV000296945.59), dbSNP rs138613962, ClinGen allele CA1494985.
Genomic context (GRCh38, chr1:247,424,568, plus strand): 5'-GGAGAAACTGCAGCACTTGCTGGACCATCCTCGGCATGTGGAGATCCTGGGTTTCTCCGA[G>A]GCCAAAAGGAAAGAGTACTTCTTCAAGTACTTCTCTGATGAGGCCCAAGCCAGGGCAGCC-3'
Protein context (NP_001230062.1, residues 363-383): PRHVEILGFS[Glu373=]AKRKEYFFKY